The following is an entry in ClinVar:

ClinVar aggregate classification (germline): Uncertain significance (1 of 4 stars; one submission).

Submission:

GeneDx
Classification: Uncertain significance. Last evaluated: 2021-09-20. Review status: criteria provided, single submitter. Criteria: GeneDx Variant Classification Process June 2021. Collection method: clinical testing. Allele origin: germline. Affected: yes.
Comment: Not observed in large population cohorts (Lek et al., 2016); In silico analysis, which includes protein predictors and evolutionary conservation, supports a deleterious effect; Has not been previously published as pathogenic or benign to our knowledge

NM_020338.4(ZMIZ1):c.1634A>G (p.Lys545Arg)

Gene: ZMIZ1 (zinc finger MIZ-type containing 1; plus strand). Cytogenetic location: 10q22.3.
Variant type: single nucleotide variant.
Coding change: c.1634A>G on transcript NM_020338.4 (MANE Select); coding-DNA position 1634, A replaced by G.
Protein change: p.Lys545Arg; replaces lysine 545 with arginine.
Molecular consequence: missense variant.
Genome position (GRCh38, 1-based): chr10:79,298,548, A>G. VCF-style: chr10-79298548-A-G. GRCh37 (hg19) VCF-style: chr10-81058305-A-G.
Other names: short protein forms K545R.
Identifiers: ClinVar variation 1306223 (VCV001306223.2), dbSNP rs2132056993, ClinGen allele CA377337501.
Genomic context (GRCh38, chr10:79,298,548, plus strand): 5'-GCATCCCTCCATACCTGTCCCCCAGCCAAGACGTCAAACCACCCTTCCCGCCTGACATCA[A>G]GCCAAATATGAGCGCTCTGCCACCACCCCCAGGTGAGGGCCCTCCCTCCCTCTCTTGGCA-3'
Protein context (NP_065071.1, residues 535-555): DVKPPFPPDI[Lys545Arg]PNMSALPPPP